The following is an entry in ClinVar:

ClinVar aggregate classification (germline): Uncertain significance. Review status: criteria provided, multiple submitters, no conflicts (2 of 4 stars). 2 submissions from 2 submitters: Uncertain significance (2). Last evaluated 2023-05-04.

Conditions:
Cardiomyopathy (CMYO). Also called: Cardiomyopathies. Identifiers: Orphanet 167848, MedGen C0878544, MONDO:0004994, HP:0001638. Inheritance: Various modes of inheritance.

Submissions (2):

All of Us Research Program, National Institutes of Health
Classification: Uncertain significance for Cardiomyopathy. Last evaluated: 2023-05-04. Review status: criteria provided, single submitter. Criteria: ACMG Guidelines, 2015. Collection method: clinical testing. Allele origin: germline. Inheritance: Autosomal dominant inheritance. Observed: 1 variant allele, 1 heterozygote.
Comment: This variant deletes 10 nucleotides in exon 30 of the MYH7 gene, creating a frameshift and premature translation stop signal. This variant is expected to result in an absent or non-functional protein product. To our knowledge, this variant has not been reported in individuals affected with MYH7-related disorders in the literature. Clinical relevance of loss-of-function MYH7 truncation variants in autosomal dominant cardiovascular disorders is not clearly established. This variant has not been identified in the general population by the Genome Aggregation Database (gnomAD). The available evidence is insufficient to determine the role of this variant in disease conclusively. Therefore, this variant is classified as a Variant of Uncertain Significance.

This study involves interpretation of variants in research participants for the purpose of population health screening. Participant phenotype was not available at the time of variant classification. Additional details can be found in publication PMID: 35346344, PMCID: PMC8962531

AiLife Diagnostics
Classification: Uncertain significance. Last evaluated: 2021-08-31. Review status: criteria provided, single submitter. Criteria: ACMG Guidelines, 2015. Collection method: clinical testing. Allele origin: germline. Affected: yes. Observed: 1 variant allele.

NM_000257.4(MYH7):c.4022_4031del (p.Asp1341fs)

Gene: MYH7 (myosin heavy chain 7; minus strand). Cytogenetic location: 14q11.2.
Variant type: Deletion.
Coding change: c.4022_4031del on transcript NM_000257.4 (MANE Select); coding-DNA positions 4022 to 4031, 10 bases deleted (ACCTGCTGCG; older notation c.4022_4031delACCTGCTGCG).
Protein change: p.Asp1341fs; shifts the reading frame from aspartic acid 1341.
Molecular consequence: frameshift variant.
Genome position (GRCh38, 1-based): chr14:23,418,348-23,418,357, CGCAGCAGGT deleted on the plus strand (ACCTGCTGCG on the coding strand, the reverse complement: MYH7 is on the minus strand); deleting any 10 consecutive bases within chr14:23,418,348-23,418,362 gives the same sequence; the c. name uses the placement nearest the transcript's 3' end. VCF-style (leftmost placement, unchanged base first): chr14-23418347-CCGCAGCAGGT-C. GRCh37 (hg19) VCF-style: chr14-23887556-CCGCAGCAGGT-C.
Other names: short protein forms D1341fs.
Identifiers: ClinVar variation 1677474 (VCV001677474.2), dbSNP rs2138648992, ClinGen allele CA2573149780.
Genomic context (GRCh38, chr14:23,418,347, plus strand): 5'-GGCCTTGGAAAGGACGCGCTGCAGCTCGGCCTTGGCCTCCGTCTCCTCCTCGTACTGCTC[CCGCAGCAGGT>C]CGCAGTCATGCCGGGCCGACTGCAGTGCGTGGGCCAGGGCGTTCTTCGCCTGGGGAGGGG-3'